The following is an entry in ClinVar:

ClinVar aggregate classification (germline): Uncertain significance (1 of 4 stars; one submission).

Conditions:
Hereditary cancer-predisposing syndrome. Also called: Tumor predisposition; Hereditary neoplastic syndrome; Neoplastic Syndromes, Hereditary; Hereditary Cancer Syndrome. Identifiers: Orphanet 140162, MedGen C0027672, MeSH D009386, MONDO:0015356.

Submission:

Ambry Genetics
Classification: Uncertain significance for Hereditary cancer-predisposing syndrome. Last evaluated: 2025-04-19. Review status: criteria provided, single submitter. Criteria: Ambry Variant Classification Scheme 2023. Collection method: clinical testing. Allele origin: germline.
Comment: The p.T162A variant (also known as c.484A>G), located in coding exon 2 of the BLM gene, results from an A to G substitution at nucleotide position 484. The threonine at codon 162 is replaced by alanine, an amino acid with similar properties. This amino acid position is conserved. In addition, this alteration is predicted to be tolerated by in silico analysis. Based on the available evidence, the clinical significance of this variant remains unclear.

NM_000057.4(BLM):c.484A>G (p.Thr162Ala)

Gene: BLM (BLM RecQ like helicase; plus strand). Cytogenetic location: 15q26.1.
Variant type: single nucleotide variant.
Coding change: c.484A>G on transcript NM_000057.4 (MANE Select); coding-DNA position 484, A replaced by G.
Protein change: p.Thr162Ala; replaces threonine 162 with alanine.
Molecular consequence: missense variant. On other transcripts: 5 prime UTR variant (1).
Genome position (GRCh38, 1-based): chr15:90,749,752, A>G. VCF-style: chr15-90749752-A-G. GRCh37 (hg19) VCF-style: chr15-91292982-A-G.
Other names: c.484A>G, p.Thr162Ala (NM_001287246.2, NM_001287247.2); c.-808A>G (NM_001287248.2); short protein forms T162A.
Identifiers: ClinVar variation 3991653 (VCV003991653.1).
Genomic context (GRCh38, chr15:90,749,752, plus strand): 5'-AGTTCTTCACCAGATTCTTTAAGTACCATCAATGATTGGGATGATATGGATGACTTTGAT[A>G]CTTCTGAGACTTCAAAATCATTTGTTACACCACCCCAAAGTCACTTTGTAAGAGTAAGCA-3'
Protein context (NP_000048.1, residues 152-172): NDWDDMDDFD[Thr162Ala]SETSKSFVTP